The following is an entry in ClinVar:

ClinVar aggregate classification (germline): Conflicting classifications of pathogenicity. Review status: criteria provided, conflicting classifications (1 of 4 stars). 2 submissions from 2 submitters: Uncertain significance (1); Likely benign (1). Last evaluated 2024-09-01.

Conditions:
Intellectual developmental disorder, X-linked 90. Also called: DLG3-Related X-Linked Nonsyndromic Mental Retardation; Intellectual disability, X-linked 90. Identifiers: Orphanet 777, MedGen C3275443, MONDO:0010452, OMIM 300850.

Allele frequency attached by ClinVar (database versions not stated): gnomAD 0.00010; TOPMed 0.00011; gnomAD exomes 0.00010; ExAC 0.00035.
gnomAD v4.1: 115 of 1,181,364 alleles (0.0097%); highest among the groups gnomAD compares: Non-Finnish European, 0.012%; no homozygotes.

Submissions (2):

CeGaT Center for Human Genetics Tuebingen
Classification: Likely benign. Last evaluated: 2024-09-01. Review status: criteria provided, single submitter. Criteria: CeGaT Center For Human Genetics Tuebingen Variant Classification Criteria Version 2. Collection method: clinical testing. Allele origin: germline. Affected: yes. Observed: 2 variant alleles.
Comment: DLG3: BS2

Centre for Mendelian Genomics, University Medical Centre Ljubljana
Classification: Uncertain significance for Intellectual developmental disorder, X-linked 90. Last evaluated: 2019-12-20. Review status: criteria provided, single submitter. Criteria: ACMG Guidelines, 2015. Collection method: clinical testing. Allele origin: unknown. Affected: yes.
Comment: This variant was classified as: Uncertain significance. The available evidence on this variant's pathogenicity is insufficient or conflicting. The following ACMG criteria were applied in classifying this variant: PP3,BS2.

NM_021120.4(DLG3):c.341G>C (p.Arg114Pro)

Gene: DLG3 (discs large MAGUK scaffold protein 3; plus strand). Cytogenetic location: Xq13.1.
Variant type: single nucleotide variant.
Coding change: c.341G>C on transcript NM_021120.4 (MANE Select); coding-DNA position 341, G replaced by C.
Protein change: p.Arg114Pro; replaces arginine 114 with proline.
Molecular consequence: missense variant.
Genome position (GRCh38, 1-based): chrX:70,445,542, G>C. VCF-style: chrX-70445542-G-C. GRCh37 (hg19) VCF-style: chrX-69665392-G-C.
Other names: short protein forms R114P.
Identifiers: ClinVar variation 931628 (VCV000931628.25), dbSNP rs759162614, ClinGen allele CA10441924.
Genomic context (GRCh38, chrX:70,445,542, plus strand): 5'-GCACCCCCAAACTCAACGGCAGCGGCCCCAGCTGGTGGCCAGAGTGCACCTGTACCAACC[G>C]GGACTGGTATGAGCAGGTATGGACCAGCGGAGGGGGGAGCGGTGGGGCAACCCAGGAGGG-3'
Protein context (NP_066943.2, residues 104-124): SWWPECTCTN[Arg114Pro]DWYEQVNGSD